The following is an entry in ClinVar:

NM_000836.4(GRIN2D):c.1069G>A (p.Gly357Ser)

Gene: GRIN2D (glutamate ionotropic receptor NMDA type subunit 2D; plus strand). Cytogenetic location: 19q13.33.
Variant type: single nucleotide variant.
Coding change: c.1069G>A on transcript NM_000836.4 (MANE Select); coding-DNA position 1069, G replaced by A.
Protein change: p.Gly357Ser; replaces glycine 357 with serine.
Molecular consequence: missense variant.
Genome position (GRCh38, 1-based): chr19:48,405,337, G>A. VCF-style: chr19-48405337-G-A. GRCh37 (hg19) VCF-style: chr19-48908594-G-A.
Other names: short protein forms G357S.
Identifiers: ClinVar variation 1951869 (VCV001951869.7), dbSNP rs1970778538, ClinGen allele CA406693456.

ClinVar aggregate classification (germline): Uncertain significance. Review status: criteria provided, multiple submitters, no conflicts (2 of 4 stars). 2 submissions from 2 submitters: Uncertain significance (2). Last evaluated 2025-11-17.

Conditions:
Complex neurodevelopmental disorder. Identifiers: Orphanet 528084, MedGen C5568766, MONDO:0100038.

Allele frequency attached by ClinVar (database versions not stated): TOPMed below 0.00001.

Submissions (2):

Dasa
Classification: Uncertain significance for Complex neurodevelopmental disorder. Last evaluated: 2025-11-17. Review status: criteria provided, single submitter. Criteria: DASA Assertion Criteria. Collection method: clinical testing. Allele origin: germline.
Comment: NM_000836.4(GRIN2D):c.1069G>A (p.Gly357Ser) is a missense variant that results in the substitution of glycine with serine. This variant is rare in population databases. The currently available literature and clinical evidence are not sufficient to establish a definitive association between this variant and the reported condition. Therefore, this variant is classified as a variant of uncertain significance.

Labcorp Genetics (formerly Invitae), Labcorp
Classification: Uncertain significance. Last evaluated: 2025-03-04. Review status: criteria provided, single submitter. Criteria: Invitae Variant Classification Sherloc (09022015). Collection method: clinical testing. Allele origin: germline.
Comment: This sequence change replaces glycine, which is neutral and non-polar, with serine, which is neutral and polar, at codon 357 of the GRIN2D protein (p.Gly357Ser). This variant is not present in population databases (gnomAD no frequency). This variant has not been reported in the literature in individuals affected with GRIN2D-related conditions. ClinVar contains an entry for this variant (Variation ID: 1951869). Invitae Evidence Modeling of protein sequence and biophysical properties (such as structural, functional, and spatial information, amino acid conservation, physicochemical variation, residue mobility, and thermodynamic stability) indicates that this missense variant is not expected to disrupt GRIN2D protein function with a negative predictive value of 95%. In summary, the available evidence is currently insufficient to determine the role of this variant in disease. Therefore, it has been classified as a Variant of Uncertain Significance.